The following is an entry in ClinVar:

NM_014915.3(ANKRD26):c.1205G>C (p.Ser402Thr)

Gene: ANKRD26 (ankyrin repeat domain containing 26; minus strand). Cytogenetic location: 10p12.1.
Variant type: single nucleotide variant.
Coding change: c.1205G>C on transcript NM_014915.3 (MANE Select); coding-DNA position 1205, G replaced by C.
Protein change: p.Ser402Thr; replaces serine 402 with threonine.
Molecular consequence: missense variant.
Genome position (GRCh38, 1-based): chr10:27,067,159, C>G on the plus strand (G>C on the coding strand, the complement: ANKRD26 is on the minus strand). VCF-style: chr10-27067159-C-G. GRCh37 (hg19) VCF-style: chr10-27356088-C-G.
Other names: c.1205G>C, p.Ser402Thr (NM_001256053.2); short protein forms S402T.
Identifiers: ClinVar variation 4103474 (VCV004103474.1).

ClinVar aggregate classification (germline): Uncertain significance (1 of 4 stars; one submission).

Conditions:
Inborn genetic diseases. Identifiers: MedGen C0950123, MeSH D030342.

Submission:

Ambry Genetics
Classification: Uncertain significance for Inborn genetic diseases. Last evaluated: 2025-07-12. Review status: criteria provided, single submitter. Criteria: Ambry Variant Classification Scheme 2023. Collection method: clinical testing. Allele origin: germline.
Comment: The p.S402T variant (also known as c.1205G>C), located in coding exon 10 of the ANKRD26 gene, results from a G to C substitution at nucleotide position 1205. The serine at codon 402 is replaced by threonine, an amino acid with similar properties. This amino acid position is conserved. In addition, this alteration is predicted to be tolerated by in silico analysis. Based on the available evidence, the clinical significance of this variant remains unclear.